The following is an entry in ClinVar:

NM_024675.4(PALB2):c.2655_2656insG (p.Cys886fs)

Gene: PALB2 (partner and localizer of BRCA2; minus strand). Cytogenetic location: 16p12.2.
Variant type: Insertion.
Coding change: c.2655_2656insG on transcript NM_024675.4 (MANE Select); coding-DNA positions 2655 to 2656, G inserted.
Protein change: p.Cys886fs; shifts the reading frame from cysteine 886.
Molecular consequence: frameshift variant. On other transcripts: intron variant (3).
Genome position: GRCh38 VCF-style: chr16-23626328-A-AC. GRCh37 (hg19) VCF-style: chr16-23637649-A-AC.
Other names: c.2595_2596insG, p.Cys866fs (NM_001407296.1); c.2583_2584insG, p.Cys862fs (NM_001407297.1); c.2655_2656insG, p.Cys886fs (NM_001407299.1, NM_001407300.1, NM_001407301.1); c.1770_1771insG, p.Cys591fs (NM_001407304.1, NM_001407305.1, NM_001407306.1 and 4 more transcripts); c.867_868insG, p.Cys290fs (NM_001407312.1, NM_001407313.1); c.189_190insG, p.Cys64fs (NM_001407314.1); c.2587-2235_2587-2234insG (NM_001407302.1, NM_001407298.1); c.1702-2235_1702-2234insG (NM_001407307.1); short protein forms C290fs, C591fs, C64fs, C862fs, C866fs, C886fs.
Identifiers: ClinVar variation 2674052 (VCV002674052.2), dbSNP rs2506372023, ClinGen allele CA2695197615.

ClinVar aggregate classification (germline): Pathogenic. Review status: criteria provided, multiple submitters, no conflicts (2 of 4 stars). 2 submissions from 2 submitters: Pathogenic (2). Last evaluated 2025-11-04.

Conditions:
Hereditary cancer-predisposing syndrome. Also called: Tumor predisposition; Hereditary neoplastic syndrome; Neoplastic Syndromes, Hereditary; Hereditary Cancer Syndrome. Identifiers: Orphanet 140162, MedGen C0027672, MeSH D009386, MONDO:0015356.
Familial cancer of breast. Also called: Hereditary breast cancer; BREAST CANCER, FAMILIAL; hereditary breast carcinoma. Identifiers: Orphanet 227535, MedGen C0346153, MONDO:0016419, OMIM 114480. Disease mechanism: loss of function.

Submissions (2):

Ambry Genetics
Classification: Pathogenic for Hereditary cancer-predisposing syndrome. Last evaluated: 2025-11-04. Review status: criteria provided, single submitter. Criteria: Ambry Variant Classification Scheme 2023. Collection method: clinical testing. Allele origin: germline.
Comment: The c.2655_2656insG pathogenic mutation, located in coding exon 7 of the PALB2 gene, results from an insertion of one nucleotide at position 2655, causing a translational frameshift with a predicted alternate stop codon (p.C886Vfs*42). This variant is considered to be rare based on population cohorts in the Genome Aggregation Database (gnomAD). This alteration is expected to result in loss of function by premature protein truncation or nonsense-mediated mRNA decay. As such, this alteration is interpreted as a disease-causing mutation.

Myriad Genetics, Inc.
Classification: Pathogenic for Familial cancer of breast. Last evaluated: 2023-09-13. Review status: criteria provided, single submitter. Criteria: Myriad Autosomal Dominant, Autosomal Recessive and X-Linked Classification Criteria (2023). Collection method: clinical testing. Allele origin: unknown.
Comment: This variant is considered pathogenic. This variant creates a frameshift predicted to result in premature protein truncation.